The following is an entry in ClinVar:

NM_024422.6(DSC2):c.174T>C (p.Phe58=)

Gene: DSC2 (desmocollin 2; minus strand). Cytogenetic location: 18q12.1.
Variant type: single nucleotide variant.
Coding change: c.174T>C on transcript NM_024422.6 (MANE Select); coding-DNA position 174, T replaced by C.
Protein change: p.Phe58=; no amino-acid change (phenylalanine 58 retained).
Molecular consequence: synonymous variant.
Genome position (GRCh38, 1-based): chr18:31,092,281, A>G on the plus strand (T>C on the coding strand, the complement: DSC2 is on the minus strand). VCF-style: chr18-31092281-A-G. GRCh37 (hg19) VCF-style: chr18-28672244-A-G.
Other names: c.174T>C, p.Phe58= (NM_004949.5).
Identifiers: ClinVar variation 416270 (VCV000416270.22), dbSNP rs150792047, ClinGen allele CA033042.

ClinVar aggregate classification (germline): Benign/Likely benign. Review status: criteria provided, multiple submitters, no conflicts (2 of 4 stars). 8 submissions from 8 submitters: Benign (1); Likely benign (7). Last evaluated 2026-09-01.

Conditions:
Arrhythmogenic right ventricular dysplasia 11. Also called: Arrhythmogenic Right Ventricular Dysplasia/Cardiomyopathy11; Arrhythmogenic right ventricular dysplasia 11 with mild palmoplantar keratoderma and woolly hair; ARRHYTHMOGENIC RIGHT VENTRICULAR DYSPLASIA, FAMILIAL, 11. Identifiers: MedGen C1864850, MONDO:0012506, OMIM 610476.
Cardiovascular phenotype. Identifiers: MedGen CN230736.
Familial isolated arrhythmogenic right ventricular dysplasia. Identifiers: Orphanet 217656, MedGen C4274968, MONDO:0016342.
Cardiomyopathy (CMYO). Also called: Cardiomyopathies. Identifiers: Orphanet 167848, MedGen C0878544, MONDO:0004994, HP:0001638. Inheritance: Various modes of inheritance.

Allele frequency attached by ClinVar (database versions not stated): gnomAD exomes 0.00003 and 0.00010; 1000 Genomes Project 30x 0.00016; ExAC 0.00018; 1000 Genomes Project 0.00020; gnomAD 0.00031 and 0.00034; TOPMed 0.00038; ESP Exome Variant Server 0.00069.
gnomAD v4.1: 93 of 1,613,630 alleles (0.0058%); highest among the groups gnomAD compares: African/African-American, 0.12%; no homozygotes.

Submissions (8):

CeGaT Center for Human Genetics Tuebingen
Classification: Likely benign. Last evaluated: 2026-09-01. Review status: criteria provided, single submitter. Criteria: CeGaT Center For Human Genetics Tuebingen Variant Classification Criteria Version 2. Collection method: clinical testing. Allele origin: germline. Affected: yes. Observed: 1 variant allele.
Comment: DSC2: BP4, BP7

Labcorp Genetics (formerly Invitae), Labcorp
Classification: Benign for Arrhythmogenic right ventricular dysplasia 11. Last evaluated: 2026-01-21. Review status: criteria provided, single submitter. Criteria: Invitae Variant Classification Sherloc (09022015). Collection method: clinical testing. Allele origin: germline.

All of Us Research Program, National Institutes of Health
Classification: Likely benign for Familial isolated arrhythmogenic right ventricular dysplasia. Last evaluated: 2024-09-24. Review status: criteria provided, single submitter. Criteria: ACMG Guidelines, 2015. Collection method: clinical testing. Allele origin: germline. Inheritance: Autosomal dominant inheritance. Observed: 28 variant alleles, 28 heterozygotes.
Comment: This study involves interpretation of variants in research participants for the purpose of population health screening. Participant phenotype was not available at the time of variant classification. Additional details can be found in publication PMID: 35346344, PMCID: PMC8962531

Fulgent Genetics
Classification: Likely benign for Arrhythmogenic right ventricular dysplasia 11. Last evaluated: 2021-08-11. Review status: criteria provided, single submitter. Criteria: ACMG Guidelines, 2015. Collection method: clinical testing. Allele origin: unknown.

GeneDx
Classification: Likely benign. Last evaluated: 2021-03-10. Review status: criteria provided, single submitter. Criteria: GeneDx Variant Classification Process June 2021. Collection method: clinical testing. Allele origin: germline. Affected: yes.

Color Diagnostics, LLC DBA Color Health
Classification: Likely benign for Cardiomyopathy. Last evaluated: 2018-10-16. Review status: criteria provided, single submitter. Criteria: ACMG Guidelines, 2015. Collection method: clinical testing. Allele origin: germline.

Ambry Genetics
Classification: Likely benign for Cardiovascular phenotype. Last evaluated: 2018-08-15. Review status: criteria provided, single submitter. Criteria: Ambry Variant Classification Scheme 2023. Collection method: clinical testing. Allele origin: germline.

Breakthrough Genomics
Classification: Likely benign. Review status: criteria provided, single submitter. Criteria: ACMG Guidelines, 2015. Collection method: not provided. Allele origin: germline. Inheritance: Autosomal dominant inheritance. Affected: yes.